The following is an entry in ClinVar:

ClinVar aggregate classification (germline): Likely benign. Review status: criteria provided, multiple submitters, no conflicts (2 of 4 stars). 2 submissions from 2 submitters: Likely benign (2). Last evaluated 2025-01-15.

Conditions:
Meckel-Gruber syndrome. Also called: Dysencephalia splachnocystica; DYSENCEPHALIA SPLANCHNOCYSTICA; GRUBER SYNDROME. Identifiers: Orphanet 564, MedGen C0265215, MONDO:0018921.
Joubert syndrome. Also called: Familial aplasia of the vermis; JOUBERT-BOLTSHAUSER SYNDROME. Identifiers: Orphanet 475, MedGen C5979921, MONDO:0018772.
Nephronophthisis. Also called: Juvenile Nephronophthisis. Identifiers: Orphanet 655, MedGen C0687120, MONDO:0019005, HP:0000090.
CEP290-related disorder. Also called: CEP290-related disorders; CEP290-related condition. Identifiers: MedGen CN239314.

Submissions (2):

PreventionGenetics, part of Exact Sciences
Classification: Likely benign for CEP290-related condition. Last evaluated: 2025-01-15. Review status: criteria provided, single submitter. Criteria: ACMG Guidelines, 2015. Collection method: clinical testing. Allele origin: germline.
Comment: This variant is classified as likely benign based on ACMG/AMP sequence variant interpretation guidelines (Richards et al. 2015 PMID: 25741868, with internal and published modifications).

Labcorp Genetics (formerly Invitae), Labcorp
Classification: Likely benign for Joubert syndrome; Meckel-Gruber syndrome; Nephronophthisis. Last evaluated: 2024-02-06. Review status: criteria provided, single submitter. Criteria: Invitae Variant Classification Sherloc (09022015). Collection method: clinical testing. Allele origin: germline.

NM_025114.4(CEP290):c.5733G>A (p.Arg1911=)

Gene: CEP290 (centrosomal protein 290; minus strand). Cytogenetic location: 12q21.32.
Variant type: single nucleotide variant.
Coding change: c.5733G>A on transcript NM_025114.4 (MANE Select); coding-DNA position 5733, G replaced by A.
Protein change: p.Arg1911=; no amino-acid change (arginine 1911 retained).
Molecular consequence: synonymous variant.
Genome position (GRCh38, 1-based): chr12:88,071,903, C>T on the plus strand (G>A on the coding strand, the complement: CEP290 is on the minus strand). VCF-style: chr12-88071903-C-T. GRCh37 (hg19) VCF-style: chr12-88465680-C-T.
Other names: c.5733G>A (NM_025114.3).
Identifiers: ClinVar variation 3754444 (VCV003754444.3).
Genomic context (GRCh38, chr12:88,071,903, plus strand): 5'-CTCTTTTAACTTGTTTCGAATTCCTTCTATTTTGGCTTGCCACTTTTTACCTTCTTCCCA[C>T]CTAATTAATTCTTCTTTAGCATTCTGTAACAATAACGAAGGAGGTAGGAAAATTACCAGT-3'
Protein context (NP_079390.3, residues 1901-1921): KEKNAKEELI[Arg1911=]WEEGKKWQAK